The following is an entry in ClinVar:

ClinVar aggregate classification (germline): Uncertain significance (1 of 4 stars; one submission).

Allele frequency attached by ClinVar (database versions not stated): gnomAD exomes below 0.00001.
gnomAD v4.1: 1 of 1,613,150 alleles (0.000062%); highest among the groups gnomAD compares: Non-Finnish European, 0.000085%; no homozygotes.

Submission:

Centre of Medical Genetics, University Hospital Muenster
Classification: Uncertain significance. Last evaluated: 2024-02-22. Review status: criteria provided, single submitter. Criteria: ACMG Guidelines, 2015. Collection method: clinical testing. Allele origin: unknown. Affected: yes. Observed: 1 variant allele, 1 homozygote.
Comment: ACMG categories: PM2,PP3

NM_000275.3(OCA2):c.890+5G>A

Gene: OCA2 (OCA2 melanosomal transmembrane protein; minus strand). Cytogenetic location: 15q13.1.
Variant type: single nucleotide variant.
Coding change: c.890+5G>A on transcript NM_000275.3 (MANE Select); 5 bases into the intron after coding-DNA position 890, G replaced by A.
Molecular consequence: intron variant.
Genome position (GRCh38, 1-based): chr15:28,016,099, C>T on the plus strand (G>A on the coding strand, the complement: OCA2 is on the minus strand). VCF-style: chr15-28016099-C-T. GRCh37 (hg19) VCF-style: chr15-28261245-C-T.
Other names: c.890+5G>A (NM_001300984.2).
Identifiers: ClinVar variation 3062174 (VCV003062174.2), dbSNP rs2548441130, ClinGen allele CA488959549.